The following is an entry in ClinVar:

ClinVar aggregate classification (germline): Uncertain significance (1 of 4 stars; one submission).

Conditions:
Coffin-Siris syndrome 6. Identifiers: MedGen C4540499, MONDO:0033492, OMIM 617808.

Submission:

Victorian Clinical Genetics Services, Murdoch Childrens Research Institute
Classification: Uncertain significance for Coffin-Siris syndrome 6. Last evaluated: 2023-12-21. Review status: criteria provided, single submitter. Criteria: ACMG Guidelines, 2015. Collection method: clinical testing. Allele origin: germline. Inheritance: Autosomal dominant inheritance. Affected: yes.
Comment: Based on the classification scheme VCGS_Germline_v1.3.4, this variant is classified as VUS-3A. Following criteria are met: 0102 - Loss of function is a known mechanism of disease in this gene and is associated with Coffin-Siris syndrome 6 (MIM#617808). (I) 0107 - This gene is associated with autosomal dominant disease. (I) 0212 - Non-canonical splice site variant without proven consequence on splicing (no functional evidence available). (SP) 0251 - This variant is heterozygous. (I) 0301 - Variant is absent from gnomAD (both v2 and v3). (SP) 0505 - Abnormal splicing is predicted by in silico tools and affected nucleotide is highly conserved. (SP) 0705 - No comparable splice site variants have previous evidence for pathogenicity. (I) 0807 - This variant has no previous evidence of pathogenicity. (I) 0905 - No published segregation evidence has been identified for this variant. (I) 1007 - No published functional evidence has been identified for this variant. (SP) Legend: (SP) - Supporting pathogenic, (I) - Information, (SB) - Supporting benign

NM_152641.4(ARID2):c.637+5G>A

Gene: ARID2 (AT-rich interaction domain 2; plus strand). Cytogenetic location: 12q12.
Variant type: single nucleotide variant.
Coding change: c.637+5G>A on transcript NM_152641.4 (MANE Select); 5 bases into the intron after coding-DNA position 637, G replaced by A.
Molecular consequence: intron variant.
Genome position (GRCh38, 1-based): chr12:45,817,893, G>A. VCF-style: chr12-45817893-G-A. GRCh37 (hg19) VCF-style: chr12-46211676-G-A.
Other names: c.637+5G>A (NM_001347839.2).
Identifiers: ClinVar variation 3254956 (VCV003254956.1), dbSNP rs2138093902.